The following is an entry in ClinVar:

ClinVar aggregate classification (germline): Uncertain significance (1 of 4 stars; one submission).

Allele frequency attached by ClinVar (database versions not stated): gnomAD exomes below 0.00001.
gnomAD v4.1: 2 of 1,614,058 alleles (0.00012%); highest among the groups gnomAD compares: Non-Finnish European, 0.00017%; no homozygotes.

Submission:

GeneDx
Classification: Uncertain significance. Last evaluated: 2022-03-22. Review status: criteria provided, single submitter. Criteria: GeneDx Variant Classification Process June 2021. Collection method: clinical testing. Allele origin: germline. Affected: yes.
Comment: Not observed in large population cohorts (gnomAD); In silico analysis, which includes protein predictors and evolutionary conservation, supports that this variant does not alter protein structure/function; Has not been previously published as pathogenic or benign to our knowledge

NM_001134407.3(GRIN2A):c.4033C>T (p.Pro1345Ser)

Gene: GRIN2A (glutamate ionotropic receptor NMDA type subunit 2A; minus strand). Cytogenetic location: 16p13.2.
Variant type: single nucleotide variant.
Coding change: c.4033C>T on transcript NM_001134407.3 (MANE Select); coding-DNA position 4033, C replaced by T.
Protein change: p.Pro1345Ser; replaces proline 1345 with serine.
Molecular consequence: missense variant. On other transcripts: intron variant (1).
Genome position (GRCh38, 1-based): chr16:9,763,511, G>A on the plus strand (C>T on the coding strand, the complement: GRIN2A is on the minus strand). VCF-style: chr16-9763511-G-A. GRCh37 (hg19) VCF-style: chr16-9857368-G-A.
Other names: c.4033C>T, p.Pro1345Ser (NM_000833.5); c.3773-83C>T (NM_001134408.2); short protein forms P1345S.
Identifiers: ClinVar variation 1308025 (VCV001308025.3), dbSNP rs2141127318, ClinGen allele CA394706250.